The following is an entry in ClinVar:

NM_001849.4(COL6A2):c.*4C>T

Gene: COL6A2 (collagen type VI alpha 2 chain; plus strand). Cytogenetic location: 21q22.3.
Variant type: single nucleotide variant.
Coding change: c.*4C>T on transcript NM_001849.4 (MANE Select); 4 bases downstream of the stop codon, C replaced by T.
Molecular consequence: 3 prime UTR variant.
Genome position (GRCh38, 1-based): chr21:46,132,556, C>T. VCF-style: chr21-46132556-C-T. GRCh37 (hg19) VCF-style: chr21-47552470-C-T.
Other names: c.*4C>T (NM_001849.3).
Identifiers: ClinVar variation 500675 (VCV000500675.13), dbSNP rs370155138, ClinGen allele CA10073164.

ClinVar aggregate classification (germline): Conflicting classifications of pathogenicity. Review status: criteria provided, conflicting classifications (1 of 4 stars). 5 submissions from 5 submitters: Uncertain significance (1); Likely benign (4). Last evaluated 2026-02-06.

Conditions:
COL6A2-related disorder.

Allele frequency attached by ClinVar (database versions not stated): gnomAD exomes 0.00010 and 0.00012; TOPMed 0.00014; ExAC 0.00015; ESP Exome Variant Server 0.00031; gnomAD 0.00032; 1000 Genomes Project 0.00040; 1000 Genomes Project 30x 0.00047.
gnomAD v4.1: 193 of 1,591,084 alleles (0.012%); highest among the groups gnomAD compares: East Asian, 0.057%; no homozygotes.

Submissions (5):

PreventionGenetics, part of Exact Sciences
Classification: Likely benign for COL6A2-related condition. Last evaluated: 2026-02-06. Review status: criteria provided, single submitter. Criteria: ACMG Guidelines, 2015. Collection method: clinical testing. Allele origin: germline.
Comment: This variant is classified as likely benign based on ACMG/AMP sequence variant interpretation guidelines (Richards et al. 2015 PMID: 25741868, with internal and published modifications).

Mayo Clinic Laboratories, Mayo Clinic
Classification: Likely benign. Last evaluated: 2025-03-05. Review status: criteria provided, single submitter. Criteria: ACMG Guidelines, 2015. Collection method: clinical testing. Allele origin: germline. Observed: 1 variant allele.
Comment: BP4, BP7

Revvity Omics, Revvity
Classification: Likely benign. Last evaluated: 2024-05-06. Review status: criteria provided, single submitter. Criteria: ACMG Guidelines, 2015. Collection method: clinical testing. Allele origin: germline.

GeneDx
Classification: Likely benign. Last evaluated: 2020-08-24. Review status: criteria provided, single submitter. Criteria: GeneDx Variant Classification Process June 2021. Collection method: clinical testing. Allele origin: germline. Affected: yes.
Comment: Nucleotide substitution has no predicted effect on splicing and is not conserved across species; Has not been previously published as pathogenic or benign to our knowledge

Eurofins Ntd Llc (ga)
Classification: Uncertain significance. Last evaluated: 2017-02-28. Review status: criteria provided, single submitter. Criteria: EGL Classification Definitions 2015. Collection method: clinical testing. Allele origin: germline. Observed: 2 variant alleles, 2 heterozygotes.